The following is an entry in ClinVar:

ClinVar aggregate classification (germline): Conflicting classifications of pathogenicity. Review status: criteria provided, conflicting classifications (1 of 4 stars). 10 submissions from 10 submitters: Likely pathogenic (2); Uncertain significance (7). 1 of the submissions does not count toward it. Last evaluated 2026-10-01.

Conditions:
Spinocerebellar ataxia 49 (SCA49). Identifiers: Orphanet 631106, MedGen C5676950, MONDO:0030805, OMIM 619806.
Ataxia-pancytopenia syndrome (ATXPC). Also called: SAMD9L Ataxia-Pancytopenia Syndrome; SAMD9L-Related Syndrome. Identifiers: Orphanet 2585, MedGen C1327919, MONDO:0008038, OMIM 159550.

Submissions (10):

St. Jude Molecular Pathology, St. Jude Children's Research Hospital
Classification: Likely pathogenic for Ataxia-pancytopenia syndrome. Last evaluated: 2026-10-01. Review status: criteria provided, single submitter. Criteria: St. Jude Assertion Criteria 2020. Collection method: clinical testing. Allele origin: germline.
Comment: The SAMD9L c.3353A>G p.(Tyr1118Cys) missense change is absent in gnomAD v2.1.1. The in silico tool REVEL is inconclusive about a pathogenic or benign effect of this variant on protein function, and to our knowledge functional studies have not been performed. In silico predictions have not been found to correlate with syndromic risk and are not considered supporting evidence of a pathogenic or benign effect (PMID: 34621053). This variant has been reported in individuals with ataxia-pancytopenia syndrome (PMID: 31015479, internal data). In summary, this variant meets criteria to be classified as likely pathogenic.

Labcorp Genetics (formerly Invitae), Labcorp
Classification: Uncertain significance. Last evaluated: 2025-10-14. Review status: criteria provided, single submitter. Criteria: Invitae Variant Classification Sherloc (09022015). Collection method: clinical testing. Allele origin: germline.
Comment: This sequence change replaces tyrosine, which is neutral and polar, with cysteine, which is neutral and slightly polar, at codon 1118 of the SAMD9L protein (p.Tyr1118Cys). This variant is not present in population databases (gnomAD no frequency). This missense change has been observed in individual(s) with ataxia-pancytopenia syndrome (PMID: 31015479). ClinVar contains an entry for this variant (Variation ID: 624284). Invitae Evidence Modeling of protein sequence and biophysical properties (such as structural, functional, and spatial information, amino acid conservation, physicochemical variation, residue mobility, and thermodynamic stability) indicates that this missense variant is expected to disrupt SAMD9L protein function with a positive predictive value of 80%. In summary, the available evidence is currently insufficient to determine the role of this variant in disease. Therefore, it has been classified as a Variant of Uncertain Significance.

GeneDx
Classification: Uncertain significance. Last evaluated: 2024-10-24. Review status: criteria provided, single submitter. Criteria: GeneDx Variant Classification Process June 2021. Collection method: clinical testing. Allele origin: germline. Affected: yes.
Comment: Observed as a de novo variant in cis with a second SAMD9L variant that was also de novo (R359Q) in an individual with clinical features consistent with ataxia-pancytopenia syndrome (PMID: 31015479); Not observed at significant frequency in large population cohorts (gnomAD); In silico analysis supports that this missense variant has a deleterious effect on protein structure/function; This variant is associated with the following publications: (PMID: 28545555, 37946251, 31015479)

Institute of Human Genetics, University of Leipzig Medical Center
Classification: Uncertain significance for Ataxia-pancytopenia syndrome. Last evaluated: 2024-05-29. Review status: criteria provided, single submitter. Criteria: ACMG Guidelines, 2015. Collection method: clinical testing. Allele origin: unknown. Inheritance: Autosomal dominant inheritance. Affected: yes.
Comment: Criteria applied: PM2,PS4_SUP

Laboratorio de Genetica e Diagnostico Molecular, Hospital Israelita Albert Einstein
Classification: Uncertain significance for Ataxia-pancytopenia syndrome. Last evaluated: 2022-03-24. Review status: criteria provided, single submitter. Criteria: ACMG Guidelines, 2015. Collection method: clinical testing. Allele origin: germline. Affected: yes. Observed: 1 variant allele.
Comment: ACMG classification criteria: PS4 supporting, PM2 moderated, PM6 moderated, BP4 supporting

Blueprint Genetics
Classification: Uncertain significance. Last evaluated: 2021-05-31. Review status: criteria provided, single submitter. Criteria: ACMG Guidelines, 2015. Collection method: clinical testing. Allele origin: germline.

CeGaT Center for Human Genetics Tuebingen
Classification: Likely pathogenic. Last evaluated: 2020-01-01. Review status: criteria provided, single submitter. Criteria: CeGaT Center For Human Genetics Tuebingen Variant Classification Criteria Version 2. Collection method: clinical testing. Allele origin: germline. Affected: yes. Observed: 3 variant alleles.

Revvity Omics, Revvity
Classification: Uncertain significance. Last evaluated: 2019-11-26. Review status: criteria provided, single submitter. Criteria: ACMG Guidelines, 2015. Collection method: clinical testing. Allele origin: germline.

Genetic Services Laboratory, University of Chicago
Classification: Uncertain significance. Last evaluated: 2019-07-14. Review status: criteria provided, single submitter. Criteria: ACMG Guidelines, 2015. Collection method: clinical testing. Allele origin: germline. Affected: no.

Solve-RD Consortium
Classification: Likely pathogenic for Spinocerebellar ataxia 49. Last evaluated: 2022-06-01. Review status: no assertion criteria provided. Collection method: provider interpretation. Allele origin: inherited. Affected: yes. Not counted in ClinVar's aggregate classification.
Comment: Variant confirmed as disease-causing by referring clinical team

Variant identified during reanalysis of unsolved cases by the Solve-RD project. The Solve-RD project has received funding from the European Union’s Horizon 2020 research and innovation programme under grant agreement No 779257.

Literature cited by the submitters: PubMed 31015479 (cited by Labcorp Genetics (formerly Invitae), Labcorp); PubMed 39825153 (cited by Solve-RD Consortium).

NM_152703.5(SAMD9L):c.3353A>G (p.Tyr1118Cys)

Gene: SAMD9L (sterile alpha motif domain containing 9 like; minus strand). Cytogenetic location: 7q21.2.
Variant type: single nucleotide variant.
Coding change: c.3353A>G on transcript NM_152703.5 (MANE Select); coding-DNA position 3353, A replaced by G.
Protein change: p.Tyr1118Cys; replaces tyrosine 1118 with cysteine.
Molecular consequence: missense variant.
Genome position (GRCh38, 1-based): chr7:93,132,619, T>C on the plus strand (A>G on the coding strand, the complement: SAMD9L is on the minus strand). VCF-style: chr7-93132619-T-C. GRCh37 (hg19) VCF-style: chr7-92761932-T-C.
Other names: c.3353A>G, p.Tyr1118Cys (NM_001303496.3, NM_001303497.3, NM_001303498.3 and 5 more transcripts); c.3353A>G (NM_152703.2, NM_152703.3); short protein forms Y1118C.
Identifiers: ClinVar variation 624284 (VCV000624284.55), dbSNP rs1562789302, ClinGen allele CA368183209.